The following is an entry in ClinVar:

NM_001165963.4(SCN1A):c.5795A>G (p.Lys1932Arg)

Genes: SCN1A (sodium voltage-gated channel alpha subunit 1; minus strand), LOC102724058 (uncharacterized LOC102724058; plus strand). Cytogenetic location: 2q24.3.
Variant type: single nucleotide variant.
Coding change: c.5795A>G on transcript NM_001165963.4 (MANE Select); coding-DNA position 5795, A replaced by G.
Protein change: p.Lys1932Arg; replaces lysine 1932 with arginine.
Molecular consequence: missense variant. On other transcripts: non-coding transcript variant (1).
Genome position (GRCh38, 1-based): chr2:165,991,480, T>C on the plus strand (A>G on the coding strand, the complement: SCN1A is on the minus strand). VCF-style: chr2-165991480-T-C. GRCh37 (hg19) VCF-style: chr2-166847990-T-C.
Other names: c.5795A>G (NM_001165963.1); c.5708A>G, p.Lys1903Arg (NM_001353960.2); c.3353A>G, p.Lys1118Arg (NM_001353961.2); c.5762A>G, p.Lys1921Arg (NM_006920.6, NM_001353951.2, NM_001353952.2 and 2 more transcripts); c.5759A>G, p.Lys1920Arg (NM_001353954.2, NM_001353955.2); c.5711A>G, p.Lys1904Arg (NM_001353957.2, NM_001353958.2, NM_001165964.3); c.5795A>G, p.Lys1932Arg (NM_001202435.3, NM_001353948.2); short protein forms K1903R, K1904R, K1932R, K1118R, K1920R, K1921R.
Identifiers: ClinVar variation 4739949 (VCV004739949.2).

ClinVar aggregate classification (germline): Uncertain significance. Review status: criteria provided, multiple submitters, no conflicts (2 of 4 stars). 2 submissions from 2 submitters: Uncertain significance (2). Last evaluated 2026-03-17.

Conditions:
Inborn genetic diseases. Identifiers: MedGen C0950123, MeSH D030342.
Early-infantile DEE. Also called: Early infantile epileptic encephalopathy with suppression bursts; Early infantile epileptic encephalopathy; Ohtahara syndrome. Identifiers: Orphanet 1934, MedGen C0393706, MONDO:0800491.

gnomAD v4.1: 11 of 1,613,952 alleles (0.00068%); highest among the groups gnomAD compares: Non-Finnish European, 0.00093%; no homozygotes.

Submissions (2):

Ambry Genetics
Classification: Uncertain significance for Inborn genetic diseases. Last evaluated: 2026-03-17. Review status: criteria provided, single submitter. Criteria: Ambry Variant Classification Scheme 2023. Collection method: clinical testing. Allele origin: germline.

Labcorp Genetics (formerly Invitae), Labcorp
Classification: Uncertain significance for Early-infantile DEE. Last evaluated: 2025-03-09. Review status: criteria provided, single submitter. Criteria: Invitae Variant Classification Sherloc (09022015). Collection method: clinical testing. Allele origin: germline.
Comment: This sequence change replaces lysine, which is basic and polar, with arginine, which is basic and polar, at codon 1932 of the SCN1A protein (p.Lys1932Arg). This variant is not present in population databases (gnomAD no frequency). This variant has not been reported in the literature in individuals affected with SCN1A-related conditions. Invitae Evidence Modeling of protein sequence and biophysical properties (such as structural, functional, and spatial information, amino acid conservation, physicochemical variation, residue mobility, and thermodynamic stability) indicates that this missense variant is not expected to disrupt SCN1A protein function with a negative predictive value of 95%. In summary, the available evidence is currently insufficient to determine the role of this variant in disease. Therefore, it has been classified as a Variant of Uncertain Significance.